The following is an entry in ClinVar:

ClinVar aggregate classification (germline): Uncertain significance (1 of 4 stars; one submission).

Conditions:
Hereditary cancer-predisposing syndrome. Also called: Neoplastic Syndromes, Hereditary; Tumor predisposition; Hereditary Cancer Syndrome; Hereditary neoplastic syndrome. Identifiers: Orphanet 140162, MedGen C0027672, MeSH D009386, MONDO:0015356.

Submission:

Ambry Genetics
Classification: Uncertain significance for Hereditary cancer-predisposing syndrome. Last evaluated: 2025-09-20. Review status: criteria provided, single submitter. Criteria: Ambry Variant Classification Scheme 2023. Collection method: clinical testing. Allele origin: germline.
Comment: The p.N138K variant (also known as c.414T>A), located in coding exon 5 of the RAD51D gene, results from a T to A substitution at nucleotide position 414. The asparagine at codon 138 is replaced by lysine, an amino acid with similar properties. This amino acid position is conserved. In addition, this alteration is predicted to be tolerated by in silico analysis. Since supporting evidence is limited at this time, the clinical significance of this alteration remains unclear.

NM_002878.4(RAD51D):c.414T>A (p.Asn138Lys)

Genes: RAD51D (RAD51 paralog D; minus strand), RAD51L3-RFFL (RAD51L3-RFFL readthrough; minus strand). Cytogenetic location: 17q12.
Variant type: single nucleotide variant.
Coding change: c.414T>A on transcript NM_002878.4 (MANE Select); coding-DNA position 414, T replaced by A.
Protein change: p.Asn138Lys; replaces asparagine 138 with lysine.
Molecular consequence: missense variant. On other transcripts: non-coding transcript variant (1), intron variant (1).
Genome position (GRCh38, 1-based): chr17:35,107,054, A>T on the plus strand (T>A on the coding strand, the complement: RAD51D is on the minus strand). VCF-style: chr17-35107054-A-T. GRCh37 (hg19) VCF-style: chr17-33434073-A-T.
Other names: c.474T>A, p.Asn158Lys (NM_001142571.2); c.145-573T>A (NM_133629.3); short protein forms N138K, N158K.
Identifiers: ClinVar variation 1738249 (VCV001738249.3), dbSNP rs1555568320, ClinGen allele CA399089271.